The following is an entry in ClinVar:

NM_002528.7(NTHL1):c.85G>A (p.Gly29Arg)

Gene: NTHL1 (nth like DNA glycosylase 1; minus strand). Cytogenetic location: 16p13.3.
Variant type: single nucleotide variant.
Coding change: c.85G>A on transcript NM_002528.7 (MANE Select); coding-DNA position 85, G replaced by A.
Protein change: p.Gly29Arg; replaces glycine 29 with arginine.
Molecular consequence: missense variant. On other transcripts: 5 prime UTR variant (1).
Genome position (GRCh38, 1-based): chr16:2,047,739, C>T on the plus strand (G>A on the coding strand, the complement: NTHL1 is on the minus strand). VCF-style: chr16-2047739-C-T. GRCh37 (hg19) VCF-style: chr16-2097740-C-T.
Other names: c.85G>A, p.Gly29Arg (LRG_1366t1, NM_001318193.2); c.109G>A (NM_002528.5); c.-94G>A (NM_001318194.2); short protein forms G29R.
Identifiers: ClinVar variation 664268 (VCV000664268.20), dbSNP rs1161055704, ClinGen allele CA394298331.
Genomic context (GRCh38, chr16:2,047,739, plus strand): 5'-TCCCACGCTCCAGCCACGGCGCGGCGCTACCTGCTGCAGCCTCTCTTCTCCGGAGAGGCC[C>T]GGGCTCCTCCCTACACCCCCGCGGCCCAGCCCCGGGTCCCAGGCTCCGGCTCCGGGTCAG-3'
Protein context (NP_002519.2, residues 19-39): AGPRGCREEP[Gly29Arg]PLRRREAAAE

ClinVar aggregate classification (germline): Conflicting classifications of pathogenicity. Review status: criteria provided, conflicting classifications (1 of 4 stars). 6 submissions from 6 submitters: Uncertain significance (5); Likely benign (1). Last evaluated 2026-05-20.

Conditions:
NTHL1-related disorder. Also called: NTHL1-related condition; NTHL1-related conditions.
Familial adenomatous polyposis 3. Also called: NTHL1-Related Adenomatous Polyposis and Colorectal Cancer; NTHL1-associated polyposis; NTHL1-related attenuated familial adenomatous polyposis; NTHL1 Tumor Syndrome. Identifiers: Orphanet 220460, Orphanet 454840, MedGen C4225157, MONDO:0014630, OMIM 616415.
Hereditary cancer-predisposing syndrome. Also called: Tumor predisposition; Hereditary neoplastic syndrome; Hereditary Cancer Syndrome; Neoplastic Syndromes, Hereditary. Identifiers: Orphanet 140162, MedGen C0027672, MeSH D009386, MONDO:0015356.

Allele frequency attached by ClinVar (database versions not stated): TOPMed 0.00005; gnomAD 0.00006 and 0.00007.
gnomAD v4.1: 19 of 1,584,846 alleles (0.0012%); highest among the groups gnomAD compares: African/African-American, 0.017%; no homozygotes.

Submissions (6):

PreventionGenetics, part of Exact Sciences
Classification: Uncertain significance for NTHL1-related condition. Last evaluated: 2026-05-20. Review status: criteria provided, single submitter. Criteria: ACMG Guidelines, 2015. Collection method: clinical testing. Allele origin: germline.
Comment: The NTHL1 c.109G>A variant is predicted to result in the amino acid substitution p.Gly37Arg. To our knowledge, this variant has not been reported in the literature. This variant is reported in 0.011% of alleles in individuals of African descent in gnomAD and it is classified as a variant of uncertain significance in ClinVar (Variation ID: 664268). At this time, the clinical significance of this variant is uncertain due to the absence of conclusive functional and genetic evidence.

Labcorp Genetics (formerly Invitae), Labcorp
Classification: Uncertain significance. Last evaluated: 2025-12-21. Review status: criteria provided, single submitter. Criteria: Invitae Variant Classification Sherloc (09022015). Collection method: clinical testing. Allele origin: germline.
Comment: This sequence change replaces glycine, which is neutral and non-polar, with arginine, which is basic and polar, at codon 37 of the NTHL1 protein (p.Gly37Arg). This variant is present in population databases (no rsID available, gnomAD 0.01%). This variant has not been reported in the literature in individuals affected with NTHL1-related conditions. ClinVar contains an entry for this variant (Variation ID: 664268). An algorithm developed to predict the effect of missense changes on protein structure and function (PolyPhen-2) suggests that this variant is likely to be tolerated. In summary, the available evidence is currently insufficient to determine the role of this variant in disease. Therefore, it has been classified as a Variant of Uncertain Significance.

Ambry Genetics
Classification: Likely benign for Hereditary cancer-predisposing syndrome. Last evaluated: 2025-10-23. Review status: criteria provided, single submitter. Criteria: Ambry Variant Classification Scheme 2023. Collection method: clinical testing. Allele origin: germline.

Baylor Genetics
Classification: Uncertain significance for Familial adenomatous polyposis 3. Last evaluated: 2024-01-20. Review status: criteria provided, single submitter. Criteria: ACMG Guidelines, 2015. Collection method: clinical testing. Allele origin: unknown.

Sema4
Classification: Uncertain significance for Hereditary cancer-predisposing syndrome. Last evaluated: 2021-12-13. Review status: criteria provided, single submitter. Criteria: Sema4 Curation Guidelines. Collection method: curation. Allele origin: germline.
Comment: The NTHL1 c.109G>A (p.G37R) variant has not been reported in the literature to our knowledge. It was observed in 1/8708 chromosomes in the African/African American subpopulation in the large and broad cohorts of the Genome Aggregation Database (PMID: 32461654). The variant has been reported in ClinVar (Variation ID: 664268). In silico tools suggest the impact of the variant on protein function is benign, though these predictions have not been confirmed by functional studies. The evidence is insufficient to meet ACMG/AMP criteria for classifying the variant as benign or pathogenic. Thus, the clinical significance of this variant is currently uncertain.

Genetic Services Laboratory, University of Chicago
Classification: Uncertain significance. Last evaluated: 2021-11-30. Review status: criteria provided, single submitter. Criteria: ACMG Guidelines, 2015. Collection method: clinical testing. Allele origin: germline. Affected: no.
Comment: DNA sequence analysis of the NTHL1 gene demonstrated a sequence change, c.85G>A, in exon 1 that results in an amino acid change, p.Gly29Arg. This sequence change has been described in the gnomAD database in a single individual which corresponds to a population frequency of 0.0032% (dbSNP rs1161055704). The p.Gly29Arg change affects a poorly conserved amino acid residue located in a domain of the NTHL1 protein that is not known to be functional. The p.Gly29Arg substitution appears to be benign using several in-silico pathogenicity prediction tools (SIFT, PolyPhen2, Align GVGD, REVEL). This sequence change does not appear to have been previously described in individuals with NTHL1-related disorders. Due to insufficient evidence and the lack of functional studies, the clinical significance of the p.Gly29Arg change remains unknown at this time.